The following is an entry in ClinVar:

NM_022356.4(P3H1):c.1627G>A (p.Glu543Lys)

Gene: P3H1 (prolyl 3-hydroxylase 1; minus strand). Cytogenetic location: 1p34.2.
Variant type: single nucleotide variant.
Coding change: c.1627G>A on transcript NM_022356.4 (MANE Select); coding-DNA position 1627, G replaced by A.
Protein change: p.Glu543Lys; replaces glutamic acid 543 with lysine.
Molecular consequence: missense variant.
Genome position (GRCh38, 1-based): chr1:42,750,279, C>T on the plus strand (G>A on the coding strand, the complement: P3H1 is on the minus strand). VCF-style: chr1-42750279-C-T. GRCh37 (hg19) VCF-style: chr1-43215950-C-T.
Other names: c.1627G>A, p.Glu543Lys (NM_001146289.2, NM_001243246.2); short protein forms E543K.
Identifiers: ClinVar variation 859388 (VCV000859388.10), dbSNP rs1651960578, ClinGen allele CA339954866.
Genomic context (GRCh38, chr1:42,750,279, plus strand): 5'-AGGAAAAGTAGAGGGGCGTATCCAGGCGGAAGTAGGACTCCATGATGCGCCGCACCTTCT[C>T]CGTCACGTTGTAGTACAGGTGGGCACTCTGCAGAGGAACTTTGCCTTCTTGCCCCAGCTG-3'
Protein context (NP_071751.3, residues 533-553): QSAHLYYNVT[Glu543Lys]KVRRIMESYF

ClinVar aggregate classification (germline): Uncertain significance (1 of 4 stars; one submission).

Conditions:
Osteogenesis imperfecta type 8 (OI8). Identifiers: MedGen C1970458, MONDO:0012581, OMIM 610915.

Allele frequency attached by ClinVar (database versions not stated): gnomAD exomes below 0.00001.

Submission:

Labcorp Genetics (formerly Invitae), Labcorp
Classification: Uncertain significance for Osteogenesis imperfecta type 8. Last evaluated: 2019-12-27. Review status: criteria provided, single submitter. Criteria: Invitae Variant Classification Sherloc (09022015). Collection method: clinical testing. Allele origin: germline.
Comment: In summary, the available evidence is currently insufficient to determine the role of this variant in disease. Therefore, it has been classified as a Variant of Uncertain Significance. Algorithms developed to predict the effect of missense changes on protein structure and function are either unavailable or do not agree on the potential impact of this missense change (SIFT: "Tolerated"; PolyPhen-2: "Possibly Damaging"; Align-GVGD: "Class C0"). This variant has not been reported in the literature in individuals with P3H1-related conditions. This variant is not present in population databases (ExAC no frequency). This sequence change replaces glutamic acid with lysine at codon 543 of the P3H1 protein (p.Glu543Lys). The glutamic acid residue is moderately conserved and there is a small physicochemical difference between glutamic acid and lysine.